The following is an entry in ClinVar:

NM_018685.5(ANLN):c.2685GAA[1] (p.Lys898del)

Gene: ANLN (anillin, actin binding protein; plus strand). Cytogenetic location: 7p14.2.
Variant type: Microsatellite.
Coding change: c.2685GAA[1] on transcript NM_018685.5 (MANE Select); one copy of the 3-base unit GAA starting at c.2685; the reference has two copies in a row; one copy, 3 bases deleted.
Protein change: p.Lys898del; deletes lysine 898.
Molecular consequence: inframe deletion.
Genome position (GRCh38, 1-based): chr7:36,424,721-36,424,723, GAA deleted; deleting any 3 consecutive bases within chr7:36,424,716-36,424,723 gives the same sequence; the position shown is the placement nearest the transcript's 3' end. VCF-style (leftmost placement, unchanged base first): chr7-36424715-TAAG-T. GRCh37 (hg19) VCF-style: chr7-36464324-TAAG-T.
Other names: c.2574GAA[1], p.Lys861del (NM_001284301.3); c.2571GAA[1], p.Lys860del (NM_001284302.3); short protein forms K860del, K861del, K898del.
Identifiers: ClinVar variation 4749262 (VCV004749262.1).

ClinVar aggregate classification (germline): Uncertain significance (1 of 4 stars; one submission).

Submission:

Labcorp Genetics (formerly Invitae), Labcorp
Classification: Uncertain significance. Last evaluated: 2025-12-08. Review status: criteria provided, single submitter. Criteria: Invitae Variant Classification Sherloc (09022015). Collection method: clinical testing. Allele origin: germline.
Comment: This variant, c.2688_2690del, results in the deletion of 1 amino acid(s) of the ANLN protein (p.Lys898del), but otherwise preserves the integrity of the reading frame. This variant is present in population databases (rs773862560, gnomAD 0.03%). This variant has not been reported in the literature in individuals affected with ANLN-related conditions. Experimental studies and prediction algorithms are not available or were not evaluated, and the functional significance of this variant is currently unknown. In summary, the available evidence is currently insufficient to determine the role of this variant in disease. Therefore, it has been classified as a Variant of Uncertain Significance.